The following is an entry in ClinVar:

NM_004380.3(CREBBP):c.773C>T (p.Thr258Ile)

Gene: CREBBP (CREB binding lysine acetyltransferase; minus strand). Cytogenetic location: 16p13.3.
Variant type: single nucleotide variant.
Coding change: c.773C>T on transcript NM_004380.3 (MANE Select); coding-DNA position 773, C replaced by T.
Protein change: p.Thr258Ile; replaces threonine 258 with isoleucine.
Molecular consequence: missense variant.
Genome position (GRCh38, 1-based): chr16:3,850,322, G>A on the plus strand (C>T on the coding strand, the complement: CREBBP is on the minus strand). VCF-style: chr16-3850322-G-A. GRCh37 (hg19) VCF-style: chr16-3900323-G-A.
Other names: c.773C>T, p.Thr258Ile (NM_001079846.1); short protein forms T258I.
Identifiers: ClinVar variation 3349827 (VCV003349827.1).

ClinVar aggregate classification (germline): Uncertain significance (0 of 4 stars; one submission).

Conditions:
CREBBP-related disorder. Also called: CREBBP-related condition; CREBBP-related disorders.

gnomAD v4.1: 1 of 1,614,216 alleles (0.000062%); highest among the groups gnomAD compares: Non-Finnish European, 0.000085%; no homozygotes.

Submission:

PreventionGenetics, part of Exact Sciences
Classification: Uncertain significance for CREBBP-related condition. Last evaluated: 2024-03-06. Review status: no assertion criteria provided. Collection method: clinical testing. Allele origin: germline.
Comment: The CREBBP c.773C>T variant is predicted to result in the amino acid substitution p.Thr258Ile. To our knowledge, this variant has not been reported in the literature or in a large population database, indicating this variant is rare. At this time, the clinical significance of this variant is uncertain due to the absence of conclusive functional and genetic evidence.